The following is an entry in ClinVar:

ClinVar aggregate classification (germline): Uncertain significance (1 of 4 stars; one submission).

Conditions:
Hereditary cancer-predisposing syndrome. Also called: Neoplastic Syndromes, Hereditary; Tumor predisposition; Hereditary Cancer Syndrome; Hereditary neoplastic syndrome. Identifiers: Orphanet 140162, MedGen C0027672, MeSH D009386, MONDO:0015356.

Submission:

Ambry Genetics
Classification: Uncertain significance for Hereditary cancer-predisposing syndrome. Last evaluated: 2022-03-31. Review status: criteria provided, single submitter. Criteria: Ambry Variant Classification Scheme 2023. Collection method: clinical testing. Allele origin: germline.
Comment: The p.S738I variant (also known as c.2213G>T), located in coding exon 14 of the RAD50 gene, results from a G to T substitution at nucleotide position 2213. The serine at codon 738 is replaced by isoleucine, an amino acid with dissimilar properties. This amino acid position is conserved. In addition, this alteration is predicted to be tolerated by in silico analysis. Since supporting evidence is limited at this time, the clinical significance of this alteration remains unclear.

NM_005732.4(RAD50):c.2213G>T (p.Ser738Ile)

Gene: RAD50 (RAD50 double strand break repair protein; plus strand). Cytogenetic location: 5q31.1.
Variant type: single nucleotide variant.
Coding change: c.2213G>T on transcript NM_005732.4 (MANE Select); coding-DNA position 2213, G replaced by T.
Protein change: p.Ser738Ile; replaces serine 738 with isoleucine.
Molecular consequence: missense variant.
Genome position (GRCh38, 1-based): chr5:132,603,305, G>T. VCF-style: chr5-132603305-G-T. GRCh37 (hg19) VCF-style: chr5-131938997-G-T.
Other names: short protein forms S738I.
Identifiers: ClinVar variation 1787804 (VCV001787804.2), dbSNP rs587780152, ClinGen allele CA360953008.